The following is an entry in ClinVar:

NM_000287.4(PEX6):c.2429del (p.Pro810fs)

Gene: PEX6 (peroxisomal biogenesis factor 6; minus strand). Cytogenetic location: 6p21.1.
Variant type: Deletion.
Coding change: c.2429del on transcript NM_000287.4 (MANE Select); coding-DNA position 2429, one base deleted (C; older notation c.2429delC).
Protein change: p.Pro810fs; shifts the reading frame from proline 810.
Molecular consequence: frameshift variant. On other transcripts: non-coding transcript variant (1).
Genome position (GRCh38, 1-based): chr6:42,965,723, G deleted on the plus strand (C on the coding strand, the reverse complement: PEX6 is on the minus strand); the first of 4 consecutive G bases (chr6:42,965,723-42,965,726); deleting any one gives the same sequence. VCF-style (leftmost placement, unchanged base first): chr6-42965722-TG-T. GRCh37 (hg19) VCF-style: chr6-42933460-TG-T.
Other names: c.2165del, p.Pro722fs (NM_001316313.2); c.2429del (NM_000287.3); short protein forms P722fs, P810fs.
Identifiers: ClinVar variation 2677718 (VCV002677718.5), dbSNP rs2481202893, ClinGen allele CA2695198836.
Genomic context (GRCh38, chr6:42,965,722, plus strand): 5'-TTCCCACTCAGACCCCTACCTGTCCATCACTCCTCCAGAATCTCCACTTCGCCCCCGGCT[TG>T]GGGCCAAAGAGTCCAGTTCATCAAAGAAGATAATGCATGGAGCTGCAGCCCTGGCCCTGG-3'

ClinVar aggregate classification (germline): Likely pathogenic. Review status: criteria provided, multiple submitters, no conflicts (2 of 4 stars). 3 submissions from 3 submitters: Likely pathogenic (3). Last evaluated 2025-02-14.

Conditions:
Zellweger spectrum disorders (ZS). Also called: Zellweger Spectrum Disorder (ZSD); Zellweger Spectrum Disorder; Zellweger Spectrum; Zellweger syndrome. Identifiers: Orphanet 912, MedGen C0043459, MONDO:0019609.
Heimler syndrome 2 (HMLR2). Also called: PEROXISOME BIOGENESIS DISORDER 4C. Identifiers: Orphanet 3220, MedGen C4225267, OMIM 616617, MONDO:0014709.
Peroxisome biogenesis disorder 4A (Zellweger) (PBD4A). Also called: Zellweger syndrome spectrum (PEX6-related). Identifiers: Orphanet 912, MedGen C3553936, MONDO:0013930, OMIM 614862. Disease mechanism: loss of function.
Peroxisome biogenesis disorder 4B (PBD4B). Also called: SPINOCEREBELLAR ATAXIA WITH BLINDNESS AND DEAFNESS 1. Identifiers: Orphanet 44, Orphanet 95433, MedGen C3553937, MONDO:0013931, OMIM 614863.

Submissions (3):

Natera, Inc.
Classification: Likely pathogenic for Zellweger syndrome. Last evaluated: 2025-02-14. Review status: criteria provided, single submitter. Criteria: Natera Variant Classification Schema (03/2026). Collection method: clinical testing. Allele origin: germline.
Comment: The c.2429del variant in PEX6 is a frameshift variant predicted to shift the reading frame beginning at codon 810 and leads to a stop codon 12 codons downstream. This variant is expected to result in nonsense mediated decay, truncation, or a dysfunctional protein product. This variant is rare in the general population with a frequency below the threshold expected for the associated phenotype(s). Given the available evidence, this variant is classified as Likely Pathogenic.

Baylor Genetics
Classification: Likely pathogenic for Heimler syndrome 2. Last evaluated: 2022-04-12. Review status: criteria provided, single submitter. Criteria: ACMG Guidelines, 2015. Collection method: clinical testing. Allele origin: unknown.

Juno Genomics, Hangzhou Juno Genomics, Inc
Classification: Likely pathogenic for Heimler syndrome 2; Peroxisome biogenesis disorder 4A (Zellweger); Peroxisome biogenesis disorder 4B. Review status: criteria provided, single submitter. Criteria: ACMG Guidelines, 2015. Collection method: clinical testing. Allele origin: germline.
Comment: Null variant in a gene where loss of function (LOF) is a known mechanism of disease.;Absent from controls (or at extremely low frequency if recessive) in Genome Aggregation Database.